The following is an entry in ClinVar:

NM_000535.7(PMS2):c.892G>A (p.Asp298Asn)

Gene: PMS2 (PMS1 homolog 2, mismatch repair system component; minus strand). Cytogenetic location: 7p22.1.
Variant type: single nucleotide variant.
Coding change: c.892G>A on transcript NM_000535.7 (MANE Select); coding-DNA position 892, G replaced by A.
Protein change: p.Asp298Asn; replaces aspartic acid 298 with asparagine.
Molecular consequence: missense variant. On other transcripts: 5 prime UTR variant (2), non-coding transcript variant (1).
Genome position (GRCh38, 1-based): chr7:5,995,545, C>T on the plus strand (G>A on the coding strand, the complement: PMS2 is on the minus strand). VCF-style: chr7-5995545-C-T. GRCh37 (hg19) VCF-style: chr7-6035176-C-T.
Other names: c.487G>A, p.Asp163Asn (NM_001322003.2, NM_001322004.2, NM_001322005.2 and 2 more transcripts); c.892G>A, p.Asp298Asn (NM_001322006.2, NM_001322014.2); c.574G>A, p.Asp192Asn (NM_001322007.2, NM_001322008.2); c.-42G>A (NM_001322011.2, NM_001322012.2); c.319G>A, p.Asp107Asn (NM_001322013.2); c.583G>A, p.Asp195Asn (NM_001322015.2); short protein forms D298N, D192N, D195N, D107N, D163N.
Identifiers: ClinVar variation 234247 (VCV000234247.6), dbSNP rs876660955, ClinGen allele CA10578691.

ClinVar aggregate classification (germline): Uncertain significance (1 of 4 stars; one submission).

Conditions:
Hereditary cancer-predisposing syndrome. Also called: Neoplastic Syndromes, Hereditary; Tumor predisposition; Hereditary Cancer Syndrome; Hereditary neoplastic syndrome. Identifiers: Orphanet 140162, MedGen C0027672, MeSH D009386, MONDO:0015356.

Submission:

Ambry Genetics
Classification: Uncertain significance for Hereditary cancer-predisposing syndrome. Last evaluated: 2025-09-29. Review status: criteria provided, single submitter. Criteria: Ambry Variant Classification Scheme 2023. Collection method: clinical testing. Allele origin: germline.
Comment: The p.D298N variant (also known as c.892G>A), located in coding exon 8 of the PMS2 gene, results from a G to A substitution at nucleotide position 892. The aspartic acid at codon 298 is replaced by asparagine, an amino acid with highly similar properties. This amino acid position is highly conserved in available vertebrate species. In addition, the in silico prediction for this alteration is inconclusive. Based on the available evidence, the clinical significance of this variant remains unclear.